The following is an entry in ClinVar:

ClinVar aggregate classification (germline): Pathogenic (1 of 4 stars; one submission).

Conditions:
Severe X-linked myotubular myopathy (CNMX). Also called: MYOTUBULAR MYOPATHY 1; X-linked centronuclear myopathy; Myotubular myopathy, X-linked. Identifiers: Orphanet 596, MedGen C0410203, MONDO:0010683, OMIM 310400.

Submission:

Labcorp Genetics (formerly Invitae), Labcorp
Classification: Pathogenic for Severe X-linked myotubular myopathy. Last evaluated: 2021-08-31. Review status: criteria provided, single submitter. Criteria: Invitae Variant Classification Sherloc (09022015). Collection method: clinical testing. Allele origin: germline.
Comment: For these reasons, this variant has been classified as Pathogenic. ClinVar contains an entry for this variant (Variation ID: 851646). This variant has not been reported in the literature in individuals affected with MTM1-related conditions. This variant is not present in population databases (ExAC no frequency). This sequence change creates a premature translational stop signal (p.Ser209Glnfs*41) in the MTM1 gene. It is expected to result in an absent or disrupted protein product. Loss-of-function variants in MTM1 are known to be pathogenic (PMID: 9305655, 10063835).

Literature cited by the submitters: PubMed 9305655; PubMed 10063835.

NM_000252.3(MTM1):c.624del (p.Ser209fs)

Gene: MTM1 (myotubularin 1; plus strand). Cytogenetic location: Xq28.
Variant type: Deletion.
Coding change: c.624del on transcript NM_000252.3 (MANE Select); coding-DNA position 624, one base deleted (C; older notation c.624delC).
Protein change: p.Ser209fs; shifts the reading frame from serine 209.
Molecular consequence: frameshift variant.
Genome position (GRCh38, 1-based): chrX:150,641,364, C deleted; the last of 2 consecutive C bases (chrX:150,641,363-150,641,364); deleting either gives the same sequence. VCF-style (leftmost placement, unchanged base first): chrX-150641362-GC-G. GRCh37 (hg19) VCF-style: chrX-149809835-GC-G.
Other names: c.624del, p.Ser209fs (NM_001376906.1, NM_001376908.1); c.513del, p.Ser172fs (NM_001376907.1); short protein forms S172fs, S209fs.
Identifiers: ClinVar variation 851646 (VCV000851646.8), dbSNP rs2039846270, ClinGen allele CA916082508.
Genomic context (GRCh38, chrX:150,641,362, plus strand): 5'-ATTAATAAGTGCTATGAGCTCTGTGACACTTACCCTGCTCTTTTGGTGGTTCCGTATCGT[GC>G]CTCAGATGATGACCTCCGGAGAGTTGCAACTTTTAGGTCCCGAAATCGAATTCCAGTGAG-3'